The following is an entry in ClinVar:

ClinVar aggregate classification (germline): Uncertain significance. Review status: criteria provided, multiple submitters, no conflicts (2 of 4 stars). 3 submissions from 3 submitters: Uncertain significance (3). Last evaluated 2025-06-26.

Conditions:
Hereditary cancer-predisposing syndrome. Also called: Tumor predisposition; Hereditary Cancer Syndrome; Hereditary neoplastic syndrome; Neoplastic Syndromes, Hereditary. Identifiers: Orphanet 140162, MedGen C0027672, MeSH D009386, MONDO:0015356.
POLD1-related polyposis and colorectal cancer syndrome (CRCS10). Also called: Colorectal cancer 10; COLORECTAL CANCER, SUSCEPTIBILITY TO, ON CHROMOSOME 19q; Colorectal cancer, susceptibility to, 10. Identifiers: Orphanet 220460, MedGen C2675481, MONDO:0012953, OMIM 612591.

Submissions (3):

Ambry Genetics
Classification: Uncertain significance for Hereditary cancer-predisposing syndrome. Last evaluated: 2025-06-26. Review status: criteria provided, single submitter. Criteria: Ambry Variant Classification Scheme 2023. Collection method: clinical testing. Allele origin: germline.
Comment: The p.Y405* variant (also known as c.1215C>G), located in coding exon 9 of the POLD1 gene, results from a C to G substitution at nucleotide position 1215. This changes the amino acid from a tyrosine to a stop codon within coding exon 9. This alteration is expected to result in loss of function by premature protein truncation or nonsense-mediated mRNA decay. However, loss of function of POLD1 has not been established as a mechanism of disease. Based on the available evidence, the clinical significance of this alteration remains unclear.

Labcorp Genetics (formerly Invitae), Labcorp
Classification: Uncertain significance for POLD1-related polyposis and colorectal cancer syndrome. Last evaluated: 2025-06-02. Review status: criteria provided, single submitter. Criteria: Invitae Variant Classification Sherloc (09022015). Collection method: clinical testing. Allele origin: germline.
Comment: This sequence change creates a premature translational stop signal (p.Tyr405*) in the POLD1 gene. Missense variants that disrupt the 3'-5' exonuclease (proof-reading) activity of the POLD1 protein are associated with PPAP (polymerase proofreading–associated polyposis) (PMID: 23263490, 23447401). However, loss-of-function variants that result in an absent or severely disrupted POLD1 protein, and missense variants outside the exonuclease domain, are unlikely to be associated with PPAP. This variant is not present in population databases (gnomAD no frequency). This variant has not been reported in the literature in individuals affected with POLD1-related conditions. ClinVar contains an entry for this variant (Variation ID: 851455). In summary, the available evidence is currently insufficient to determine the role of this variant in disease. Therefore, it has been classified as a Variant of Uncertain Significance.

ARUP Laboratories, Molecular Genetics and Genomics, ARUP Laboratories
Classification: Uncertain significance. Last evaluated: 2022-04-05. Review status: criteria provided, single submitter. Criteria: ARUP Molecular Germline Variant Investigation Process 2021. Collection method: clinical testing. Allele origin: germline.
Comment: The POLD1 c.1215C>G; p.Tyr405Ter variant (rs1555790585), to our knowledge, is not reported in the medical literature but is reported in ClinVar (Variation ID: 851455). This variant is absent from the Genome Aggregation Database, indicating it is not a common polymorphism. This variant induces an early termination codon and is predicted to result in a truncated protein or mRNA subject to nonsense-mediated decay. POLD1 missense variants located in the exonuclease domain (residues 245-571) have been established as disease causing (Palles 2013, Seifert 2019). However, loss-of-function POLD1 variants have not been well-described or established as disease causing. Therefore, based on available information, the clinical significance of the p.Tyr405Ter variant is uncertain at this time. References: Palles C et al. Germline mutations affecting the proofreading domains of POLE and POLD1 predispose to colorectal adenomas and carcinomas. Nat Genet. 2013 Feb;45(2):136-44. PMID: 23263490 Seifert BA et al. Determining the clinical validity of hereditary colorectal cancer and polyposis susceptibility genes using the Clinical Genome Resource Clinical Validity Framework. Genet Med. 2019 Jul;21(7):1507-1516. PMID: 30523343

Literature cited by the submitters: PubMed 23263490 (cited by Labcorp Genetics (formerly Invitae), Labcorp); PubMed 23447401 (cited by Labcorp Genetics (formerly Invitae), Labcorp).

NM_002691.4(POLD1):c.1215C>G (p.Tyr405Ter)

Gene: POLD1 (DNA polymerase delta 1, catalytic subunit; plus strand). Cytogenetic location: 19q13.33.
Variant type: single nucleotide variant.
Coding change: c.1215C>G on transcript NM_002691.4 (MANE Select); coding-DNA position 1215, C replaced by G.
Protein change: p.Tyr405Ter; replaces tyrosine 405 with a stop codon.
Molecular consequence: nonsense. On other transcripts: non-coding transcript variant (1).
Genome position (GRCh38, 1-based): chr19:50,403,570, C>G. VCF-style: chr19-50403570-C-G. GRCh37 (hg19) VCF-style: chr19-50906827-C-G.
Other names: c.1215C>G (NM_002691.2); c.1215C>G, p.Tyr405Ter (NM_001256849.1, NM_001308632.1); short protein forms Y405*.
Identifiers: ClinVar variation 851455 (VCV000851455.12), dbSNP rs1555790585, ClinGen allele CA406978597.